The following is an entry in ClinVar:

NM_001165963.4(SCN1A):c.2203C>G (p.Pro735Ala)

Gene: SCN1A (sodium voltage-gated channel alpha subunit 1; minus strand). Cytogenetic location: 2q24.3.
Variant type: single nucleotide variant.
Coding change: c.2203C>G on transcript NM_001165963.4 (MANE Select); coding-DNA position 2203, C replaced by G.
Protein change: p.Pro735Ala; replaces proline 735 with alanine.
Molecular consequence: missense variant. On other transcripts: 5 prime UTR variant (1), non-coding transcript variant (1).
Genome position (GRCh38, 1-based): chr2:166,041,443, G>C on the plus strand (C>G on the coding strand, the complement: SCN1A is on the minus strand). VCF-style: chr2-166041443-G-C. GRCh37 (hg19) VCF-style: chr2-166897953-G-C.
Other names: c.2119C>G, p.Pro707Ala (NM_001165964.3, NM_001353957.2, NM_001353958.2); c.2203C>G, p.Pro735Ala (NM_001202435.3, NM_001353948.2); c.2203C>G (NM_001165963.1); c.2170C>G, p.Pro724Ala (NM_001353949.2, NM_001353950.2, NM_001353951.2 and 2 more transcripts); c.2167C>G, p.Pro723Ala (NM_001353954.2, NM_001353955.2); c.2116C>G, p.Pro706Ala (NM_001353960.2); c.-256C>G (NM_001353961.2); short protein forms P706A, P723A, P735A, P707A, P724A.
Identifiers: ClinVar variation 2846418 (VCV002846418.5), dbSNP rs2468132801, ClinGen allele CA349065205.

ClinVar aggregate classification (germline): Uncertain significance. Review status: criteria provided, multiple submitters, no conflicts (2 of 4 stars). 2 submissions from 2 submitters: Uncertain significance (2). Last evaluated 2026-01-18.

Conditions:
Early-infantile DEE. Also called: Ohtahara syndrome; Early infantile epileptic encephalopathy; Early infantile epileptic encephalopathy with suppression bursts. Identifiers: Orphanet 1934, MedGen C0393706, MONDO:0800491.

Submissions (2):

GeneDx
Classification: Uncertain significance. Last evaluated: 2026-01-18. Review status: criteria provided, single submitter. Criteria: GeneDx Variant Classification Process June 2021. Collection method: clinical testing. Allele origin: germline.
Comment: Not observed at significant frequency in large population cohorts (gnomAD); In silico analysis supports that this missense variant has a deleterious effect on protein structure/function; Has not been previously published as pathogenic or benign to our knowledge; This substitution is predicted to be within the cytoplasmic loop between the first and second homologous domains

Labcorp Genetics (formerly Invitae), Labcorp
Classification: Uncertain significance for Early-infantile DEE. Last evaluated: 2023-03-17. Review status: criteria provided, single submitter. Criteria: Invitae Variant Classification Sherloc (09022015). Collection method: clinical testing. Allele origin: germline.
Comment: This variant has not been reported in the literature in individuals affected with SCN1A-related conditions. This sequence change replaces proline, which is neutral and non-polar, with alanine, which is neutral and non-polar, at codon 735 of the SCN1A protein (p.Pro735Ala). This variant is not present in population databases (gnomAD no frequency). Advanced modeling of protein sequence and biophysical properties (such as structural, functional, and spatial information, amino acid conservation, physicochemical variation, residue mobility, and thermodynamic stability) performed at Invitae indicates that this missense variant is expected to disrupt SCN1A protein function. In summary, the available evidence is currently insufficient to determine the role of this variant in disease. Therefore, it has been classified as a Variant of Uncertain Significance.